The following is an entry in ClinVar:

ClinVar aggregate classification (germline): Uncertain significance (1 of 4 stars; one submission).

Conditions:
Cerebral creatine deficiency syndrome. Also called: Creatine deficiency syndromes. Identifiers: Orphanet 79172, MedGen C5244016, MONDO:0000456.

Submission:

Labcorp Genetics (formerly Invitae), Labcorp
Classification: Uncertain significance for Cerebral creatine deficiency syndrome. Last evaluated: 2021-08-27. Review status: criteria provided, single submitter. Criteria: Invitae Variant Classification Sherloc (09022015). Collection method: clinical testing. Allele origin: germline.
Comment: This sequence change replaces histidine with glutamine at codon 145 of the GAMT protein (p.His145Gln). The histidine residue is highly conserved and there is a small physicochemical difference between histidine and glutamine. This variant is not present in population databases (ExAC no frequency). This variant has not been reported in the literature in individuals affected with GAMT-related conditions. Algorithms developed to predict the effect of missense changes on protein structure and function are either unavailable or do not agree on the potential impact of this missense change (SIFT: "Deleterious"; PolyPhen-2: "Probably Damaging"; Align-GVGD: "Class C0"). In summary, the available evidence is currently insufficient to determine the role of this variant in disease. Therefore, it has been classified as a Variant of Uncertain Significance.

NM_000156.6(GAMT):c.435C>G (p.His145Gln)

Gene: GAMT (guanidinoacetate N-methyltransferase; minus strand). Cytogenetic location: 19p13.3.
Variant type: single nucleotide variant.
Coding change: c.435C>G on transcript NM_000156.6 (MANE Select); coding-DNA position 435, C replaced by G.
Protein change: p.His145Gln; replaces histidine 145 with glutamine.
Molecular consequence: missense variant.
Genome position (GRCh38, 1-based): chr19:1,399,152, G>C on the plus strand (C>G on the coding strand, the complement: GAMT is on the minus strand). VCF-style: chr19-1399152-G-C. GRCh37 (hg19) VCF-style: chr19-1399151-G-C.
Other names: c.435C>G, p.His145Gln (NM_138924.3); short protein forms H145Q.
Identifiers: ClinVar variation 1387928 (VCV001387928.5), dbSNP rs2144636777, ClinGen allele CA402995115.
Genomic context (GRCh38, chr19:1,399,152, plus strand): 5'-GGGCCTCCCGCATCCCAGCAAGTCAGAGAGAACCACCTTGATGAAGTTGAACTGGTGTGT[G>C]TGCCAGGTCTCCTCCGAGAGTGGGTACGTGTCGTACAGGATCCCTGCACGGAGAACAGAA-3'
Protein context (NP_000147.1, residues 135-155): DTYPLSEETW[His145Gln]THQFNFIKNH